The following is an entry in ClinVar:

NM_007294.4(BRCA1):c.81-2481G>A

Gene: BRCA1 (BRCA1 DNA repair associated; minus strand). Cytogenetic location: 17q21.31.
Variant type: single nucleotide variant.
Coding change: c.81-2481G>A on transcript NM_007294.4 (MANE Select); 2481 bases into the intron before coding-DNA position 81, G replaced by A.
Molecular consequence: intron variant.
Genome position (GRCh38, 1-based): chr17:43,118,260, C>T on the plus strand (G>A on the coding strand, the complement: BRCA1 is on the minus strand). VCF-style: chr17-43118260-C-T. GRCh37 (hg19) VCF-style: chr17-41270277-C-T.
Other names: IVS 2-2481G>A; c.81-2481G>A (NM_001407662.1, NM_001408412.1, NM_001407656.1 and 191 more transcripts); c.-108-2481G>A (NM_001408509.1, NM_001408508.1, NM_001408491.1 and 51 more transcripts); c.-224-2481G>A (NM_001408492.1, NM_001407889.1, NM_001407900.1); c.-177-2481G>A (NM_001408468.1, NM_001407842.1, NM_001407749.1 and 12 more transcripts); c.-181-2481G>A (NM_001407695.1, NM_001408465.1); c.-62+861G>A (NM_001407846.1, NM_001407920.1, NM_001407697.1); c.-8+3298G>A (NM_001407726.1, NM_001407751.1); and 15 more.
Identifiers: ClinVar variation 209547 (VCV000209547.2), dbSNP rs8176091, ClinGen allele CA276516.

ClinVar aggregate classification (germline): Benign (3 of 4 stars; one submission).

Conditions:
Breast-ovarian cancer, familial, susceptibility to, 1 (BROVCA1). Also called: BRCA1 Hereditary Breast and Ovarian Cancer; OVARIAN CANCER, SUSCEPTIBILITY TO. Identifiers: Orphanet 145, MedGen C2676676, MONDO:0011450, OMIM 604370. Disease mechanism: loss of function.

Allele frequency attached by ClinVar (database versions not stated): TOPMed 0.28326; gnomAD 0.29172 and 0.30040; 1000 Genomes Project 30x 0.32933; 1000 Genomes Project 0.33546.

Submission:

Evidence-based Network for the Interpretation of Germline Mutant Alleles (ENIGMA)
Classification: Benign for Breast-ovarian cancer, familial 1. Last evaluated: 2015-01-12. Review status: reviewed by expert panel. Criteria: ENIGMA BRCA1/2 Classification Criteria (2015). Collection method: curation. Allele origin: germline.
Comment: Class 1 not pathogenic based on frequency >1% in an outbred sampleset. Frequency 0.3304 (Asian), 0.128 (African), 0.3575 (European), derived from 1000 genomes (2012-04-30).